The following is an entry in ClinVar:

NM_001370259.2(MEN1):c.1145_1148del (p.Leu382fs)

Gene: MEN1 (menin 1; minus strand). Cytogenetic location: 11q13.1.
Variant type: Deletion.
Coding change: c.1145_1148del on transcript NM_001370259.2 (MANE Select); coding-DNA positions 1145 to 1148, 4 bases deleted (TGCT; older notation c.1145_1148delTGCT).
Protein change: p.Leu382fs; shifts the reading frame from leucine 382.
Molecular consequence: frameshift variant. On other transcripts: non-coding transcript variant (4).
Genome position (GRCh38, 1-based): chr11:64,805,672-64,805,675, AGCA deleted on the plus strand (TGCT on the coding strand, the reverse complement: MEN1 is on the minus strand); deleting any 4 consecutive bases within chr11:64,805,672-64,805,678 gives the same sequence; the c. name uses the placement nearest the transcript's 3' end. VCF-style (leftmost placement, unchanged base first): chr11-64805671-CAGCA-C. GRCh37 (hg19) VCF-style: chr11-64573143-CAGCA-C.
Other names: c.1145_1148del, p.Leu382fs (NM_130799.3, NM_001370260.2, NM_001370261.2 and 3 more transcripts); c.1160_1163del, p.Leu387fs (NM_130800.3, NM_130801.3, NM_130802.3 and 4 more transcripts); c.1271_1274del, p.Leu424fs (NM_001370251.2, NM_001407142.1, NM_001407143.1 and 1 more transcripts); c.1040_1043del, p.Leu347fs (NM_001370262.2, NM_001370263.2, NM_001407148.1 and 1 more transcripts); c.1166_1169del, p.Leu389fs (NM_001407151.1); c.1286_1289del, p.Leu429fs (NM_001407150.1); short protein forms L424fs, L347fs, L389fs, L429fs, L382fs, L387fs.
Identifiers: ClinVar variation 4722467 (VCV004722467.1).
Genomic context (GRCh38, chr11:64,805,671, plus strand): 5'-CAGGCTGGAGCTCCAGCCTTTCACCTGGCTTTGCTCCCCCGGCCGCTCCTCGCCCGCCTC[CAGCA>C]AGCTGGCTGCCTCCTTCAGCAGGTTGGGGATGACATCATTGGCTACTTCAAAGAACTCCT-3'

ClinVar aggregate classification (germline): Pathogenic (1 of 4 stars; one submission).

Conditions:
Multiple endocrine neoplasia, type 1 (MEN1). Also called: Endocrine adenomatosis multiple; MEN 1; MEA I; MEN I; WERMER SYNDROME. Identifiers: Orphanet 652, MedGen C0025267, MeSH D018761, MONDO:0007540, OMIM 131100.

Submission:

Labcorp Genetics (formerly Invitae), Labcorp
Classification: Pathogenic for Multiple endocrine neoplasia, type 1. Last evaluated: 2025-07-02. Review status: criteria provided, single submitter. Criteria: Invitae Variant Classification Sherloc (09022015). Collection method: clinical testing. Allele origin: germline.
Comment: This sequence change creates a premature translational stop signal (p.Leu382Trpfs*62) in the MEN1 gene. While this is not anticipated to result in nonsense mediated decay, it is expected to disrupt the last 229 amino acid(s) of the MEN1 protein. This variant is not present in population databases (gnomAD no frequency). This variant has not been reported in the literature in individuals affected with MEN1-related conditions. This variant disrupts a region of the MEN1 protein in which other variant(s) (p.Thr580Argfs*8) have been determined to be pathogenic (internal data). This suggests that this is a clinically significant region of the protein, and that variants that disrupt it are likely to be disease-causing. For these reasons, this variant has been classified as Pathogenic.